The following is an entry in ClinVar:

NM_004385.5(VCAN):c.3713G>C (p.Arg1238Thr)

Gene: VCAN (versican; plus strand). Cytogenetic location: 5q14.3.
Variant type: single nucleotide variant.
Coding change: c.3713G>C on transcript NM_004385.5 (MANE Select); coding-DNA position 3713, G replaced by C.
Protein change: p.Arg1238Thr; replaces arginine 1238 with threonine.
Molecular consequence: missense variant. On other transcripts: intron variant (2).
Genome position (GRCh38, 1-based): chr5:83,522,019, G>C. VCF-style: chr5-83522019-G-C. GRCh37 (hg19) VCF-style: chr5-82817838-G-C.
Other names: c.3713G>C, p.Arg1238Thr (NM_001164098.2); c.1042+9623G>C (NM_001164097.2, NM_001126336.3); short protein forms R1238T.
Identifiers: ClinVar variation 198510 (VCV000198510.24), dbSNP rs146560021, ClinGen allele CA203478.

ClinVar aggregate classification (germline): Conflicting classifications of pathogenicity. Review status: criteria provided, conflicting classifications (1 of 4 stars). 6 submissions from 6 submitters: Uncertain significance (1); Benign (1); Likely benign (4). Last evaluated 2025-12-11.

Conditions:
Inborn genetic diseases. Identifiers: MedGen C0950123, MeSH D030342.
Vitreoretinopathy. Also called: Vitreoretinal degeneration. Identifiers: MedGen C0344290, MONDO:0020248, HP:0007773.

Allele frequency attached by ClinVar (database versions not stated): gnomAD exomes 0.00018; ExAC 0.00025; 1000 Genomes Project 30x 0.00062; gnomAD 0.00069 and 0.00071; 1000 Genomes Project 0.00080; TOPMed 0.00087; ESP Exome Variant Server 0.00123.
gnomAD v4.1: 206 of 1,614,170 alleles (0.013%); highest among the groups gnomAD compares: African/African-American, 0.25%; 1 homozygote.

Submissions (6):

Labcorp Genetics (formerly Invitae), Labcorp
Classification: Likely benign. Last evaluated: 2025-12-11. Review status: criteria provided, single submitter. Criteria: Invitae Variant Classification Sherloc (09022015). Collection method: clinical testing. Allele origin: germline.

Blueprint Genetics
Classification: Likely benign. Last evaluated: 2024-11-11. Review status: criteria provided, single submitter. Criteria: ACMG Guidelines, 2015. Collection method: clinical testing. Allele origin: germline.

Ambry Genetics
Classification: Uncertain significance for Inborn genetic diseases. Last evaluated: 2024-07-14. Review status: criteria provided, single submitter. Criteria: Ambry Variant Classification Scheme 2023. Collection method: clinical testing. Allele origin: germline.

Illumina Laboratory Services, Illumina
Classification: Benign for Vitreoretinopathy. Last evaluated: 2018-01-13. Review status: criteria provided, single submitter. Criteria: ICSL Variant Classification Criteria 13 December 2019. Collection method: clinical testing. Allele origin: germline.
Comment: This variant was observed in the ICSL laboratory as part of a predisposition screen in an ostensibly healthy population. It had not been previously curated by ICSL or reported in the Human Gene Mutation Database (HGMD: prior to June 1st, 2018), and was therefore a candidate for classification through an automated scoring system. Utilizing variant allele frequency, disease prevalence and penetrance estimates, and inheritance mode, an automated score was calculated to assess if this variant is too frequent to cause the disease. Based on the score and internal cut-off values, a variant classified as benign is not then subjected to further curation. The score for this variant resulted in a classification of benign for this disease.

Eurofins Ntd Llc (ga)
Classification: Likely benign. Last evaluated: 2014-06-20. Review status: criteria provided, single submitter. Criteria: EGL Classification Definitions 2015. Collection method: clinical testing. Allele origin: germline. Observed: 1 variant allele, 1 heterozygote.

Breakthrough Genomics
Classification: Likely benign. Review status: criteria provided, single submitter. Criteria: ACMG Guidelines, 2015. Collection method: not provided. Allele origin: germline. Inheritance: Autosomal dominant inheritance. Affected: yes.